The following is an entry in ClinVar:

ClinVar aggregate classification (germline): Uncertain significance (1 of 4 stars; one submission).

Conditions:
Hypertrophic cardiomyopathy. Also called: HYPERTROPHIC MYOCARDIOPATHY. Identifiers: Orphanet 217569, MedGen C0007194, MeSH D002312, MONDO:0005045, HP:0001639.

gnomAD v4.1: 4 of 1,612,520 alleles (0.00025%); highest among the groups gnomAD compares: African/African-American, 0.0013%; no homozygotes.

Submission:

Labcorp Genetics (formerly Invitae), Labcorp
Classification: Uncertain significance for Hypertrophic cardiomyopathy. Last evaluated: 2021-01-08. Review status: criteria provided, single submitter. Criteria: Invitae Variant Classification Sherloc (09022015). Collection method: clinical testing. Allele origin: germline.
Comment: In summary, the available evidence is currently insufficient to determine the role of this variant in disease. Therefore, it has been classified as a Variant of Uncertain Significance. Algorithms developed to predict the effect of missense changes on protein structure and function are either unavailable or do not agree on the potential impact of this missense change (SIFT: "Tolerated"; PolyPhen-2: "Possibly Damaging"; Align-GVGD: "Class C0"). This variant has not been reported in the literature in individuals with MYOM1-related conditions. This variant is not present in population databases (ExAC no frequency). This sequence change replaces alanine with serine at codon 509 of the MYOM1 protein (p.Ala509Ser). The alanine residue is moderately conserved and there is a moderate physicochemical difference between alanine and serine.

NM_003803.4(MYOM1):c.1525G>T (p.Ala509Ser)

Gene: MYOM1 (myomesin 1; minus strand). Cytogenetic location: 18p11.31.
Variant type: single nucleotide variant.
Coding change: c.1525G>T on transcript NM_003803.4 (MANE Select); coding-DNA position 1525, G replaced by T.
Protein change: p.Ala509Ser; replaces alanine 509 with serine.
Molecular consequence: missense variant.
Genome position (GRCh38, 1-based): chr18:3,155,065, C>A on the plus strand (G>T on the coding strand, the complement: MYOM1 is on the minus strand). VCF-style: chr18-3155065-C-A. GRCh37 (hg19) VCF-style: chr18-3155063-C-A.
Other names: c.1525G>T, p.Ala509Ser (NM_019856.2); short protein forms A509S.
Identifiers: ClinVar variation 1399546 (VCV001399546.8), dbSNP rs748712491, ClinGen allele CA401714676.
Genomic context (GRCh38, chr18:3,155,065, plus strand): 5'-AGATGATGATATAATCTTTGTTGGCCTCCAAGCACTTCACATCCAAGGGAGCAGCTGGGG[C>A]TCCTTCAATCTCTGCATCAGCATCTGTGGAGACAGAGAAGGATCCCATTAACCCTCTCAG-3'
Protein context (NP_003794.3, residues 499-519): VRDADAEIEG[Ala509Ser]PAAPLDVKCL